The following is an entry in ClinVar:

ClinVar aggregate classification (germline): Likely benign. Review status: criteria provided, multiple submitters, no conflicts (2 of 4 stars). 2 submissions from 2 submitters: Likely benign (2). Last evaluated 2018-06-16.

Allele frequency attached by ClinVar (database versions not stated): TOPMed 0.01891; 1000 Genomes Project 30x 0.04731; 1000 Genomes Project 0.04992.
gnomAD v4.1: 14,304 of 1,348,968 alleles (1.1%); highest among the groups gnomAD compares: East Asian, 15%; 590 homozygotes.

Submissions (2):

GeneDx
Classification: Likely benign. Last evaluated: 2018-06-16. Review status: criteria provided, single submitter. Criteria: GeneDx Variant Classification (06012015). Collection method: clinical testing. Allele origin: germline. Affected: yes.
Comment: This variant is considered likely benign or benign based on one or more of the following criteria: it is a conservative change, it occurs at a poorly conserved position in the protein, it is predicted to be benign by multiple in silico algorithms, and/or has population frequency not consistent with disease.

Breakthrough Genomics
Classification: Likely benign. Review status: criteria provided, single submitter. Criteria: ACMG Guidelines, 2015. Collection method: not provided. Allele origin: germline. Inheritance: Autosomal recessive inheritance. Affected: yes.

NM_020442.6(VARS2):c.1398-107G>A

Gene: VARS2 (valyl-tRNA synthetase 2, mitochondrial; plus strand). Cytogenetic location: 6p21.33.
Variant type: single nucleotide variant.
Coding change: c.1398-107G>A on transcript NM_020442.6 (MANE Select); 107 bases into the intron before coding-DNA position 1398, G replaced by A.
Molecular consequence: intron variant.
Genome position (GRCh38, 1-based): chr6:30,920,561, G>A. VCF-style: chr6-30920561-G-A. GRCh37 (hg19) VCF-style: chr6-30888338-G-A.
Other names: c.1488-107G>A (NM_001167734.2); c.978-107G>A (NM_001167733.3).
Identifiers: ClinVar variation 675605 (VCV000675605.2), dbSNP rs9357103, ClinGen allele CA136808559.